The following is an entry in ClinVar:

NM_006662.3(SRCAP):c.3193C>T (p.Arg1065Trp)

Gene: SRCAP (Snf2 related CREBBP activator protein; plus strand). Cytogenetic location: 16p11.2.
Variant type: single nucleotide variant.
Coding change: c.3193C>T on transcript NM_006662.3 (MANE Select); coding-DNA position 3193, C replaced by T.
Protein change: p.Arg1065Trp; replaces arginine 1065 with tryptophan.
Molecular consequence: missense variant.
Genome position (GRCh38, 1-based): chr16:30,720,918, C>T. VCF-style: chr16-30720918-C-T. GRCh37 (hg19) VCF-style: chr16-30732239-C-T.
Other names: short protein forms R1065W.
Identifiers: ClinVar variation 4174673 (VCV004174673.2).

ClinVar aggregate classification (germline): Uncertain significance. Review status: criteria provided, multiple submitters, no conflicts (2 of 4 stars). 2 submissions from 2 submitters: Uncertain significance (2). Last evaluated 2025-08-30.

Conditions:
Inborn genetic diseases. Identifiers: MedGen C0950123, MeSH D030342.

gnomAD v4.1: 17 of 1,613,902 alleles (0.0011%); highest among the groups gnomAD compares: East Asian, 0.0067%; no homozygotes.

Submissions (2):

Ambry Genetics
Classification: Uncertain significance for Inborn genetic diseases. Last evaluated: 2025-08-30. Review status: criteria provided, single submitter. Criteria: Ambry Variant Classification Scheme 2023. Collection method: clinical testing. Allele origin: germline.

Labcorp Genetics (formerly Invitae), Labcorp
Classification: Uncertain significance. Last evaluated: 2025-08-12. Review status: criteria provided, single submitter. Criteria: Invitae Variant Classification Sherloc (09022015). Collection method: clinical testing. Allele origin: germline.
Comment: This sequence change replaces arginine, which is basic and polar, with tryptophan, which is neutral and slightly polar, at codon 1065 of the SRCAP protein (p.Arg1065Trp). This variant is present in population databases (rs756529897, gnomAD 0.005%). This variant has not been reported in the literature in individuals affected with SRCAP-related conditions. Invitae Evidence Modeling of protein sequence and biophysical properties (such as structural, functional, and spatial information, amino acid conservation, physicochemical variation, residue mobility, and thermodynamic stability) indicates that this missense variant is not expected to disrupt SRCAP protein function with a negative predictive value of 80%. In summary, the available evidence is currently insufficient to determine the role of this variant in disease. Therefore, it has been classified as a Variant of Uncertain Significance.